The following is an entry in ClinVar:

NM_004304.5(ALK):c.3338G>A (p.Arg1113Gln)

Gene: ALK (ALK receptor tyrosine kinase; minus strand). Cytogenetic location: 2p23.2.
Variant type: single nucleotide variant.
Coding change: c.3338G>A on transcript NM_004304.5 (MANE Select); coding-DNA position 3338, G replaced by A.
Protein change: p.Arg1113Gln; replaces arginine 1113 with glutamine.
Molecular consequence: missense variant.
Genome position (GRCh38, 1-based): chr2:29,223,363, C>T on the plus strand (G>A on the coding strand, the complement: ALK is on the minus strand). VCF-style: chr2-29223363-C-T. GRCh37 (hg19) VCF-style: chr2-29446229-C-T.
Other names: c.134G>A, p.Arg45Gln (NM_001353765.2); short protein forms R1113Q, R45Q.
Identifiers: ClinVar variation 485075 (VCV000485075.23), dbSNP rs199987354, ClinGen allele CA1594004.

ClinVar aggregate classification (germline): Conflicting classifications of pathogenicity. Review status: criteria provided, conflicting classifications (1 of 4 stars). 7 submissions from 7 submitters: Uncertain significance (3); Likely benign (3). 1 of the submissions does not count toward it. Last evaluated 2026-01-27.

Conditions:
Neuroblastoma, susceptibility to, 3. Also called: ALK-Related Neuroblastic Tumor Susceptibility. Identifiers: Orphanet 635, MedGen C2751681, MONDO:0013083, OMIM 613014.
Hereditary cancer-predisposing syndrome. Also called: Tumor predisposition; Hereditary Cancer Syndrome; Neoplastic Syndromes, Hereditary; Hereditary neoplastic syndrome. Identifiers: Orphanet 140162, MedGen C0027672, MeSH D009386, MONDO:0015356.

Allele frequency attached by ClinVar (database versions not stated): gnomAD exomes 0.00003 and 0.00005; ExAC 0.00005; gnomAD 0.00005; TOPMed 0.00006; ESP Exome Variant Server 0.00008.
gnomAD v4.1: 59 of 1,614,042 alleles (0.0037%); highest among the groups gnomAD compares: Non-Finnish European, 0.0018%; no homozygotes.

Submissions (7):

Labcorp Genetics (formerly Invitae), Labcorp
Classification: Likely benign for Neuroblastoma, susceptibility to, 3. Last evaluated: 2026-01-27. Review status: criteria provided, single submitter. Criteria: Invitae Variant Classification Sherloc (09022015). Collection method: clinical testing. Allele origin: germline.

Ambry Genetics
Classification: Uncertain significance for Hereditary cancer-predisposing syndrome. Last evaluated: 2025-01-31. Review status: criteria provided, single submitter. Criteria: Ambry Variant Classification Scheme 2023. Collection method: clinical testing. Allele origin: germline.
Comment: The p.R1113Q variant (also known as c.3338G>A), located in coding exon 20 of the ALK gene, results from a G to A substitution at nucleotide position 3338. The arginine at codon 1113 is replaced by glutamine, an amino acid with highly similar properties. This amino acid position is highly conserved in available vertebrate species. In addition, this alteration is predicted to be deleterious by in silico analysis. Based on the available evidence, the clinical significance of this variant remains unclear.

Blueprint Genetics
Classification: Likely benign. Last evaluated: 2024-10-10. Review status: criteria provided, single submitter. Criteria: ACMG Guidelines, 2015. Collection method: clinical testing. Allele origin: germline.

Baylor Genetics
Classification: Uncertain significance for Neuroblastoma, susceptibility to, 3. Last evaluated: 2024-03-29. Review status: criteria provided, single submitter. Criteria: ACMG Guidelines, 2015. Collection method: clinical testing. Allele origin: unknown.

GeneDx
Classification: Uncertain significance. Last evaluated: 2024-02-21. Review status: criteria provided, single submitter. Criteria: GeneDx Variant Classification Process June 2021. Collection method: clinical testing. Allele origin: germline. Affected: yes.
Comment: In silico analysis supports that this missense variant has a deleterious effect on protein structure/function; Has not been previously published as pathogenic or benign to our knowledge

Sema4
Classification: Likely benign for Hereditary cancer-predisposing syndrome. Last evaluated: 2021-05-06. Review status: criteria provided, single submitter. Criteria: Sema4 Curation Guidelines. Collection method: curation. Allele origin: germline.

Department of Pathology and Laboratory Medicine, Sinai Health System
Classification: Uncertain significance. Review status: no assertion criteria provided. Collection method: clinical testing. Allele origin: unknown. Affected: yes. Study: The Canadian Open Genetics Repository (COGR). Not counted in ClinVar's aggregate classification.
Comment: The ALK p.R1113Q variant was not identified in the literature but was identified in dbSNP (ID: rs199987354) and ClinVar (classified as uncertain significance by Ambry Genetics and as likely benign by Invitae).Â¬â€ The variant was identified in control databases in 14 of 282560 chromosomes at a frequency of 0.00004955, and was observed at the highest frequency in the Ashkenazi Jewish population in 11 of 10368 chromosomes (freq: 0.001061) (Genome Aggregation Database March 6, 2019, v2.1.1).Â¬â€ The p.R1113 residue is conserved in mammals and more distantly related organisms, and computational analyses (MUT Assesor, PolyPhen-2, SIFT, MutationTaster, Revel, FATHMM, MetaLR, DANN) suggest that the variant may impact the protein; however, this information is not predictive enough to assume pathogenicity.Â¬â€ The variant occurs outside of the splicing consensus sequence and in silico or computational prediction software programs (Splice AI exome) do not predict a difference in splicing.Â¬â€ In summary, based on the above information the clinical significance of this variant cannot be determined with certainty at this time. This variant is classified as a variant of uncertain significance.